The following is an entry in ClinVar:

NM_004006.3(DMD):c.3826G>T (p.Glu1276Ter)

Gene: DMD (dystrophin; minus strand). Cytogenetic location: Xp21.1.
Variant type: single nucleotide variant.
Coding change: c.3826G>T on transcript NM_004006.3 (MANE Select); coding-DNA position 3826, G replaced by T.
Protein change: p.Glu1276Ter; replaces glutamic acid 1276 with a stop codon.
Molecular consequence: nonsense.
Genome position (GRCh38, 1-based): chrX:32,441,275, C>A on the plus strand (G>T on the coding strand, the complement: DMD is on the minus strand). VCF-style: chrX-32441275-C-A. GRCh37 (hg19) VCF-style: chrX-32459392-C-A.
Other names: c.3802G>T, p.Glu1268Ter (NM_000109.4); c.3814G>T, p.Glu1272Ter (NM_004009.3); c.3457G>T, p.Glu1153Ter (NM_004010.3); short protein forms E1153*, E1268*, E1272*, E1276*.
Identifiers: ClinVar variation 4280599 (VCV004280599.1).

ClinVar aggregate classification (germline): Likely pathogenic (1 of 4 stars; one submission).

Conditions:
Becker muscular dystrophy (BMD). Also called: MUSCULAR DYSTROPHY, PSEUDOHYPERTROPHIC PROGRESSIVE, BECKER TYPE; Becker Muscular Dystrophy (BMD). Identifiers: Orphanet 98895, MedGen C0917713, MONDO:0010311, OMIM 300376.

Submission:

Applied Translational Genetics Group, University of Auckland
Classification: Likely pathogenic for Becker muscular dystrophy. Last evaluated: 2025-10-08. Review status: criteria provided, single submitter. Criteria: ACMG Guidelines, 2015. Collection method: research. Allele origin: maternal. Inheritance: X-linked recessive inheritance. Affected: yes. Observed: 1 hemizygote.
Comment: NM_004006.3:c.3826G>T is predicted to be a nonsense mutation in DMD which would result in a premature stop codon at position 1276, which would result in an absent or disrupted protein product (PVS1). The variant is absent in the gnomAD population database, as would be expected for a rare genetic condition (PM2). Transcriptome sequencing from skeletal muscle revealed two abnormal splicing events in addition to normally spliced DMD transcripts bearing the nonsense mutation. Abormally spliced transcripts were: a. Exon 28 skipping (r.3787_3921del). This in-frame deletion removes 45 amino acids from the spectrin-like repeat domain of DMD (p.Glu1263_Asp1307del), and b. Exons 28 and 29 skipping (r.3787_4071del). This in-frame deletion removes 95 amino acids from the spectrin-like repeat domain of DMD (p.Glu1263_Glu1357del). Together, these restuls in reduced levels of near full-length dystrophin in skeletal muscle lysate from the affected individual relative to two age- and gender-matched control. A standard curve enables approximation of dystrophin levels at around ~25% levels detected in the controls. The less-severe autosomal dominant Becker muscular dystrophy (OMIM: 300376) has a much later and more benign progression than Duchenne muscular dystrophy is often caused by in-frame deletions and exon-skipping (PMID: 2677830, PMID: 8012195, PMID: 8223790). There is significant phenotypic variability, even within families. Regarding muscular dystrophy, the majority of cases of Beckermuscular dystrophy are either assymptomatic apart from occasionalmuscle cramps (25%), or have mild weakness (38%) (PMID: 18056690). Autism and behavioral and attention problems are also more common in Becker muscular dystrophy than in the general population (PMID: 18056690). Asymptomatic males have been reported to still have elevated creatine kinase levels (PMID: 19396825). Collective data are consistent with the nonsense c.3826G>T variant as causative for Becker’s muscular dystrophy – due to in-frame exon-skipping events that result in production of reduced levels of a near full-sized dystrophin protein lacking amino acids encoded by exons 28 (28; p.Glu1263_Asp1307del), or exons 28 and 29 (28-29; p.Glu1263_Glu1357del).

Literature cited by the submitters: PubMed 2677830; PubMed 8012195; PubMed 8223790; PubMed 18056690; PubMed 19396825; PubMed 40756852.